The following is an entry in ClinVar:

ClinVar aggregate classification (germline): Uncertain significance. Review status: criteria provided, multiple submitters, no conflicts (2 of 4 stars). 2 submissions from 2 submitters: Uncertain significance (2). Last evaluated 2025-09-29.

Allele frequency attached by ClinVar (database versions not stated): gnomAD exomes 0.00001 and 0.00003; ExAC 0.00002; gnomAD 0.00002; TOPMed 0.00002; ESP Exome Variant Server 0.00008.
gnomAD v4.1: 39 of 1,608,682 alleles (0.0024%); highest among the groups gnomAD compares: Non-Finnish European, 0.0032%; no homozygotes.

Submissions (2):

Labcorp Genetics (formerly Invitae), Labcorp
Classification: Uncertain significance. Last evaluated: 2025-09-29. Review status: criteria provided, single submitter. Criteria: Invitae Variant Classification Sherloc (09022015). Collection method: clinical testing. Allele origin: germline.
Comment: This sequence change replaces lysine, which is basic and polar, with glutamic acid, which is acidic and polar, at codon 680 of the MCM5 protein (p.Lys680Glu). This variant is present in population databases (rs150597340, gnomAD 0.004%). This variant has not been reported in the literature in individuals affected with MCM5-related conditions. ClinVar contains an entry for this variant (Variation ID: 1468671). Invitae Evidence Modeling of protein sequence and biophysical properties (such as structural, functional, and spatial information, amino acid conservation, physicochemical variation, residue mobility, and thermodynamic stability) indicates that this missense variant is not expected to disrupt MCM5 protein function with a negative predictive value of 80%. In summary, the available evidence is currently insufficient to determine the role of this variant in disease. Therefore, it has been classified as a Variant of Uncertain Significance.

Ambry Genetics
Classification: Uncertain significance. Last evaluated: 2022-12-21. Review status: criteria provided, single submitter. Criteria: Ambry Variant Classification Scheme 2023. Collection method: clinical testing. Allele origin: germline.

NM_006739.4(MCM5):c.2038A>G (p.Lys680Glu)

Gene: MCM5 (minichromosome maintenance complex component 5; plus strand). Cytogenetic location: 22q12.3.
Variant type: single nucleotide variant.
Coding change: c.2038A>G on transcript NM_006739.4 (MANE Select); coding-DNA position 2038, A replaced by G.
Protein change: p.Lys680Glu; replaces lysine 680 with glutamic acid.
Molecular consequence: missense variant.
Genome position (GRCh38, 1-based): chr22:35,423,276, A>G. VCF-style: chr22-35423276-A-G. GRCh37 (hg19) VCF-style: chr22-35819269-A-G.
Other names: c.2038A>G (NM_006739.3); short protein forms K680E.
Identifiers: ClinVar variation 1468671 (VCV001468671.11), dbSNP rs150597340, ClinGen allele CA10205641.
Genomic context (GRCh38, chr22:35,423,276, plus strand): 5'-GTGGAGGGCTTCACCAGCCAGGAGGACCAGGAGATGCTGAGCCGCATCGAGAAGCAGCTC[A>G]AGCGCCGCTTTGCCATTGGCTCCCAGGTGTCTGAGCACAGCATCATCAAGGACTTCACCA-3'
Protein context (NP_006730.2, residues 670-690): EMLSRIEKQL[Lys680Glu]RRFAIGSQVS